The following is an entry in ClinVar:

NM_006096.4(NDRG1):c.699-1G>A

Genes: NDRG1 (N-myc downstream regulated 1; minus strand), LOC126860531 (CDK7 strongly-dependent group 2 enhancer GRCh37_chr8:134259869-134261068; plus strand). Cytogenetic location: 8q24.22.
Variant type: single nucleotide variant.
Coding change: c.699-1G>A on transcript NM_006096.4 (MANE Select); the canonical splice acceptor site of the intron before coding-DNA position 699, G replaced by A.
Molecular consequence: splice acceptor variant.
Genome position (GRCh38, 1-based): chr8:133,248,772, C>T on the plus strand (G>A on the coding strand, the complement: NDRG1 is on the minus strand). VCF-style: chr8-133248772-C-T. GRCh37 (hg19) VCF-style: chr8-134261015-C-T.
Other names: c.501-1G>A (NM_001258432.2, NM_001374847.1); c.456-1G>A (NM_001258433.2); c.750-1G>A (NM_001374844.1); c.699-1G>A (NM_001135242.2, NM_001374845.1, NM_001374846.1).
Identifiers: ClinVar variation 1943136 (VCV001943136.5), dbSNP rs2538025012, ClinGen allele CA372255257.

ClinVar aggregate classification (germline): Likely pathogenic (1 of 4 stars; one submission).

Conditions:
Charcot-Marie-Tooth disease type 4. Also called: Charcot-Marie-Tooth disease, type IV; Charcot-Marie-Tooth, Type 4. Identifiers: Orphanet 64749, MedGen C4082197, MONDO:0018995.

Submission:

Labcorp Genetics (formerly Invitae), Labcorp
Classification: Likely pathogenic for Charcot-Marie-Tooth disease type 4. Last evaluated: 2022-01-28. Review status: criteria provided, single submitter. Criteria: Invitae Variant Classification Sherloc (09022015). Collection method: clinical testing. Allele origin: germline.
Comment: In summary, the currently available evidence indicates that the variant is pathogenic, but additional data are needed to prove that conclusively. Therefore, this variant has been classified as Likely Pathogenic. Algorithms developed to predict the effect of sequence changes on RNA splicing suggest that this variant may disrupt the consensus splice site. This variant has not been reported in the literature in individuals affected with NDRG1-related conditions. This variant is not present in population databases (gnomAD no frequency). This sequence change affects an acceptor splice site in intron 10 of the NDRG1 gene. It is expected to disrupt RNA splicing. Variants that disrupt the donor or acceptor splice site typically lead to a loss of protein function (PMID: 16199547), and loss-of-function variants in NDRG1 are known to be pathogenic (PMID: 12872253, 23996628).

Literature cited by the submitters: PubMed 16199547; PubMed 12872253; PubMed 23996628.